The following is an entry in ClinVar:

NM_206937.2(LIG4):c.-101-31A>G

Gene: LIG4 (DNA ligase 4; minus strand). Cytogenetic location: 13q33.3.
Variant type: single nucleotide variant.
Coding change: c.-101-31A>G on transcript NM_206937.2 (MANE Select); 31 bases into the intron before 101 bases upstream of the start codon, A replaced by G.
Molecular consequence: intron variant. On other transcripts: 5 prime UTR variant (6).
Genome position (GRCh38, 1-based): chr13:108,214,641, T>C on the plus strand (A>G on the coding strand, the complement: LIG4 is on the minus strand). VCF-style: chr13-108214641-T-C. GRCh37 (hg19) VCF-style: chr13-108866989-T-C.
Other names: c.-108A>G (NM_001352598.2); c.-132A>G (NM_001352599.2, NM_001352601.2, NM_001379095.1 and 1 more transcripts); c.-16A>G (NM_001352604.2); c.-28-3345A>G (NM_001098268.2); c.-101-31A>G (NM_001352600.2, NM_001352602.2, NM_001352603.1); c.-222-31A>G (NM_001330595.2).
Identifiers: ClinVar variation 310999 (VCV000310999.5), dbSNP rs117159741, ClinGen allele CA10643697.
Genomic context (GRCh38, chr13:108,214,641, plus strand): 5'-CCAGCTGTAAAATGAGATCTTGATGGTTTCCTGCGGGGTTGCCATGAGAAAGAATCAACA[T>C]GTACGCAGGTAAAGCAGGCAATACAGTTCCAGGGAGTCAAAAACGGGAGAAATCGTCCCA-3'

ClinVar aggregate classification (germline): Likely benign. Review status: criteria provided, single submitter (1 of 4 stars). 2 submissions from 1 submitter: Likely benign (2). Last evaluated 2018-01-13.

Conditions:
Severe combined immunodeficiency due to DCLRE1C deficiency (RS-SCID). Also called: SCID, AUTOSOMAL RECESSIVE, T CELL-NEGATIVE, B CELL-NEGATIVE, NK CELL-POSITIVE, WITH SENSITIVITY TO IONIZING RADIATION. Identifiers: Orphanet 275, MedGen C1865371, MONDO:0011225, OMIM 602450.
DNA ligase IV deficiency. Identifiers: Orphanet 99812, MedGen C1847827, MONDO:0011686, OMIM 606593.

Allele frequency attached by ClinVar (database versions not stated): TOPMed 0.00017; gnomAD 0.00010 and 0.00011; 1000 Genomes Project 0.00060; 1000 Genomes Project 30x 0.00047.

Submissions (2):

Illumina Laboratory Services, Illumina
Classification: Likely benign for DNA ligase IV deficiency. Last evaluated: 2018-01-13. Review status: criteria provided, single submitter. Criteria: ICSL Variant Classification Criteria 13 December 2019. Collection method: clinical testing. Allele origin: germline.
Comment: This variant was observed in the ICSL laboratory as part of a predisposition screen in an ostensibly healthy population. It had not been previously curated by ICSL or reported in the Human Gene Mutation Database (HGMD: prior to June 1st, 2018), and was therefore a candidate for classification through an automated scoring system. Utilizing variant allele frequency, disease prevalence and penetrance estimates, and inheritance mode, an automated score was calculated to assess if this variant is too frequent to cause the disease. Based on the score and internal cut-off values, a variant classified as likely benign is not then subjected to further curation. The score for this variant resulted in a classification of likely benign for this disease.

Illumina Laboratory Services, Illumina
Classification: Likely benign for Severe combined immunodeficiency due to DCLRE1C deficiency. Last evaluated: 2018-01-13. Review status: criteria provided, single submitter. Criteria: ICSL Variant Classification Criteria 13 December 2019. Collection method: clinical testing. Allele origin: germline.
Comment: the same text as in the submission from Illumina Laboratory Services, Illumina above.